The following is an entry in ClinVar:

ClinVar aggregate classification (germline): Likely benign (1 of 4 stars; one submission).

Conditions:
Infantile convulsions and choreoathetosis (ICCA). Also called: PAROXYSMAL KINESIGENIC DYSKINESIA WITH INFANTILE CONVULSIONS; PRRT2-Related Paroxysmal Kinesigenic Dyskinesia with Infantile Convulsions (PKD/IC). Identifiers: Orphanet 31709, MedGen C1865926, MONDO:0011178, OMIM 602066.

Submission:

Centre for Medical Genetics,  Mumbai
Classification: Likely benign for Infantile convulsions and choreoathetosis. Last evaluated: 2026-04-27. Review status: criteria provided, single submitter. Criteria: ACMG Guidelines, 2015. Collection method: provider interpretation. Allele origin: germline. Inheritance: Autosomal dominant inheritance. Affected: no. Observed: 1 variant allele, 1 heterozygote.
Comment: The variant satisfies PM2 criteria - extremely low frequency in gnomAD population databases. However, the variant satisfies BS2 criteria - present in heterozygous state in an individual that clinically does not have Convulsions, familial infantile, with paroxysmal choreoathetosis.

Literature cited by the submitters: PubMed 22120146.

NM_145239.3(PRRT2):c.1013-3C>G

Genes: MVP-DT (MVP divergent transcript; minus strand), PRRT2 (proline rich transmembrane protein 2; plus strand). Cytogenetic location: 16p11.2.
Variant type: single nucleotide variant.
Coding change: c.1013-3C>G on transcript NM_145239.3 (MANE Select); 3 bases into the intron before coding-DNA position 1013, C replaced by G.
Molecular consequence: intron variant. On other transcripts: missense variant (2), 3 prime UTR variant (2).
Genome position (GRCh38, 1-based): chr16:29,814,625, C>G. VCF-style: chr16-29814625-C-G. GRCh37 (hg19) VCF-style: chr16-29825946-C-G.
Other names: c.1172C>G, p.Thr391Arg (NM_001256442.2, NM_001438121.1); c.*671C>G (NM_001256443.2, NM_001438122.1); c.1013-3C>G (NM_001438120.1); short protein forms T391R.
Identifiers: ClinVar variation 4852264 (VCV004852264.1).